The following is an entry in ClinVar:

ClinVar aggregate classification (germline): Uncertain significance. Review status: criteria provided, multiple submitters, no conflicts (2 of 4 stars). 2 submissions from 2 submitters: Uncertain significance (2). Last evaluated 2025-03-18.

Conditions:
Inborn genetic diseases. Identifiers: MedGen C0950123, MeSH D030342.

gnomAD v4.1: 2 of 1,612,462 alleles (0.00012%); highest among the groups gnomAD compares: Non-Finnish European, 0.00017%; no homozygotes.

Submissions (2):

Ambry Genetics
Classification: Uncertain significance for Inborn genetic diseases. Last evaluated: 2025-03-18. Review status: criteria provided, single submitter. Criteria: Ambry Variant Classification Scheme 2023. Collection method: clinical testing. Allele origin: germline.

GeneDx
Classification: Uncertain significance. Last evaluated: 2023-06-30. Review status: criteria provided, single submitter. Criteria: GeneDx Variant Classification Process June 2021. Collection method: clinical testing. Allele origin: germline. Affected: yes.
Comment: Not observed at significant frequency in large population cohorts (gnomAD); In silico analysis supports that this missense variant does not alter protein structure/function; Has not been previously published as pathogenic or benign to our knowledge.

NM_015021.3(ZNF292):c.4493G>T (p.Gly1498Val)

Gene: ZNF292 (zinc finger protein 292; plus strand). Cytogenetic location: 6q14.3.
Variant type: single nucleotide variant.
Coding change: c.4493G>T on transcript NM_015021.3 (MANE Select); coding-DNA position 4493, G replaced by T.
Protein change: p.Gly1498Val; replaces glycine 1498 with valine.
Molecular consequence: missense variant.
Genome position (GRCh38, 1-based): chr6:87,258,122, G>T. VCF-style: chr6-87258122-G-T. GRCh37 (hg19) VCF-style: chr6-87967840-G-T.
Other names: c.4073G>T, p.Gly1358Val (NM_001351444.2); short protein forms G1358V, G1498V.
Identifiers: ClinVar variation 3360753 (VCV003360753.2).